The following is an entry in ClinVar:

NM_001080449.3(DNA2):c.74+4A>C

Gene: DNA2 (DNA replication helicase/nuclease 2; minus strand). Cytogenetic location: 10q21.3.
Variant type: single nucleotide variant.
Coding change: c.74+4A>C on transcript NM_001080449.3 (MANE Select); 4 bases into the intron after coding-DNA position 74, A replaced by C.
Molecular consequence: intron variant.
Genome position (GRCh38, 1-based): chr10:68,471,787, T>G on the plus strand (A>C on the coding strand, the complement: DNA2 is on the minus strand). VCF-style: chr10-68471787-T-G. GRCh37 (hg19) VCF-style: chr10-70231544-T-G.
Other names: IVS1, A-C, +4.
Identifiers: ClinVar variation 2907397 (VCV002907397.5), dbSNP rs2494022602, ClinGen allele CA2574563894.
Genomic context (GRCh38, chr10:68,471,787, plus strand): 5'-CCTCTCCCGCTCCTTCTTTCAAATCTCCCGCTTTGTTCCCACACCCTCCCCCCTCTCCGC[T>G]CACAGCTCCGCCGGCAGCTCCGCCTCCTCCCAAAAACTCTTCTCCATCAGCAGCTCCAGT-3'

ClinVar aggregate classification (germline): Likely pathogenic. Review status: criteria provided, single submitter (1 of 4 stars). 2 submissions from 2 submitters: Likely pathogenic (1). 1 of the submissions does not count toward it. Last evaluated 2023-07-22.

Conditions:
Seckel syndrome 8 (SCKL8). Identifiers: Orphanet 808, MedGen C3891452, MONDO:0014350, OMIM 615807.

Allele frequency attached by ClinVar (database versions not stated): gnomAD exomes below 0.00001.
gnomAD v4.1: 5 of 1,597,728 alleles (0.00031%); highest among the groups gnomAD compares: South Asian, 0.0011%; no homozygotes.

Submissions (2):

Labcorp Genetics (formerly Invitae), Labcorp
Classification: Likely pathogenic. Last evaluated: 2023-07-22. Review status: criteria provided, single submitter. Criteria: Invitae Variant Classification Sherloc (09022015). Collection method: clinical testing. Allele origin: germline.
Comment: This sequence change falls in intron 1 of the DNA2 gene. It does not directly change the encoded amino acid sequence of the DNA2 protein. It affects a nucleotide within the consensus splice site. This variant is not present in population databases (gnomAD no frequency). This variant has been observed in individuals with autosomal recessive primary microcephaly (PMID: 31045292). Variants that disrupt the consensus splice site are a relatively common cause of aberrant splicing (PMID: 17576681, 9536098). Studies have shown that this variant is associated with altered splicing resulting in unknown protein product impact (PMID: 31045292). In summary, the currently available evidence indicates that the variant is pathogenic, but additional data are needed to prove that conclusively. Therefore, this variant has been classified as Likely Pathogenic.

OMIM
Classification: Pathogenic for SECKEL SYNDROME 8. Last evaluated: 2024-05-15. Review status: no assertion criteria provided. Collection method: literature only. Allele origin: germline. Not counted in ClinVar's aggregate classification.

Literature cited by the submitters: PubMed 31045292 (cited by Labcorp Genetics (formerly Invitae), Labcorp and OMIM); PubMed 17576681 (cited by Labcorp Genetics (formerly Invitae), Labcorp); PubMed 9536098 (cited by Labcorp Genetics (formerly Invitae), Labcorp).